The following is an entry in ClinVar:

ClinVar aggregate classification (germline): Uncertain significance. Review status: criteria provided, multiple submitters, no conflicts (2 of 4 stars). 2 submissions from 2 submitters: Uncertain significance (2). Last evaluated 2026-01-19.

Conditions:
Inborn genetic diseases. Identifiers: MedGen C0950123, MeSH D030342.

Allele frequency attached by ClinVar (database versions not stated): gnomAD 0.00002; TOPMed 0.00002; ExAC 0.00005; gnomAD exomes 0.00005.
gnomAD v4.1: 49 of 1,606,094 alleles (0.0031%); highest among the groups gnomAD compares: Middle Eastern, 0.016%; no homozygotes.

Submissions (2):

Labcorp Genetics (formerly Invitae), Labcorp
Classification: Uncertain significance. Last evaluated: 2026-01-19. Review status: criteria provided, single submitter. Criteria: Invitae Variant Classification Sherloc (09022015). Collection method: clinical testing. Allele origin: germline.
Comment: This sequence change replaces glycine, which is neutral and non-polar, with valine, which is neutral and non-polar, at codon 501 of the PAX1 protein (p.Gly501Val). This variant is present in population databases (rs768462092, gnomAD 0.09%). This variant has not been reported in the literature in individuals affected with PAX1-related conditions. ClinVar contains an entry for this variant (Variation ID: 1395267). An algorithm developed to predict the effect of missense changes on protein structure and function (PolyPhen-2) suggests that this variant is likely to be disruptive. In summary, the available evidence is currently insufficient to determine the role of this variant in disease. Therefore, it has been classified as a Variant of Uncertain Significance.

Ambry Genetics
Classification: Uncertain significance for Inborn genetic diseases. Last evaluated: 2022-12-19. Review status: criteria provided, single submitter. Criteria: Ambry Variant Classification Scheme 2023. Collection method: clinical testing. Allele origin: germline.

NM_001257096.2(PAX1):c.*138G>T

Gene: PAX1 (paired box 1; plus strand). Cytogenetic location: 20p11.22.
Variant type: single nucleotide variant.
Coding change: c.*138G>T on transcript NM_001257096.2 (MANE Select); 138 bases downstream of the stop codon, G replaced by T.
Molecular consequence: 3 prime UTR variant. On other transcripts: missense variant (1).
Genome position (GRCh38, 1-based): chr20:21,714,700, G>T. VCF-style: chr20-21714700-G-T. GRCh37 (hg19) VCF-style: chr20-21695338-G-T.
Other names: c.1502G>T, p.Gly501Val (NM_006192.5); c.1502G>T (NM_006192.3); short protein forms G501V.
Identifiers: ClinVar variation 1395267 (VCV001395267.7), dbSNP rs768462092, ClinGen allele CA9786810.